The following is an entry in ClinVar:

ClinVar aggregate classification (germline): Pathogenic (1 of 4 stars; one submission).

Submission:

Labcorp Genetics (formerly Invitae), Labcorp
Classification: Pathogenic. Last evaluated: 2023-07-05. Review status: criteria provided, single submitter. Criteria: Invitae Variant Classification Sherloc (09022015). Collection method: clinical testing. Allele origin: germline.
Comment: This variant is not present in population databases (gnomAD no frequency). This variant has not been reported in the literature in individuals affected with RP2-related conditions. For these reasons, this variant has been classified as Pathogenic. This sequence change creates a premature translational stop signal (p.Val96*) in the RP2 gene. It is expected to result in an absent or disrupted protein product. Loss-of-function variants in RP2 are known to be pathogenic (PMID: 11992260, 20625056).

Literature cited by the submitters: PubMed 11992260; PubMed 20625056.

NM_006915.3(RP2):c.286del (p.Pro95_Val96insTer)

Gene: RP2 (RP2 activator of ARL3 GTPase; plus strand). Cytogenetic location: Xp11.3.
Variant type: Deletion.
Coding change: c.286del on transcript NM_006915.3 (MANE Select); coding-DNA position 286, one base deleted (G; older notation c.286delG).
Protein change: p.Pro95_Val96insTer.
Molecular consequence: nonsense.
Genome position (GRCh38, 1-based): chrX:46,853,659, G deleted. VCF-style (leftmost placement, unchanged base first): chrX-46853658-CG-C. GRCh37 (hg19) VCF-style: chrX-46713093-CG-C.
Identifiers: ClinVar variation 2735887 (VCV002735887.3), dbSNP rs2496843325, ClinGen allele CA2697553065.